The following is an entry in ClinVar:

NM_001329943.3(KIAA0586):c.2735C>T (p.Pro912Leu)

Gene: KIAA0586 (KIAA0586; plus strand). Cytogenetic location: 14q23.1.
Variant type: single nucleotide variant.
Coding change: c.2735C>T on transcript NM_001329943.3 (MANE Select); coding-DNA position 2735, C replaced by T.
Protein change: p.Pro912Leu; replaces proline 912 with leucine.
Molecular consequence: missense variant.
Genome position (GRCh38, 1-based): chr14:58,474,707, C>T. VCF-style: chr14-58474707-C-T. GRCh37 (hg19) VCF-style: chr14-58941425-C-T.
Other names: c.2894C>T, p.Pro965Leu (NM_001244189.2); c.2690C>T, p.Pro897Leu (NM_001244190.2); c.2480C>T, p.Pro827Leu (NM_001244191.2, NM_001329945.2, NM_001364700.1 and 1 more transcripts); c.2603C>T, p.Pro868Leu (NM_001244192.2); c.2315C>T, p.Pro772Leu (NM_001244193.2); c.2735C>T, p.Pro912Leu (NM_001329944.2, NM_001329946.2, NM_001329947.2); c.2507C>T, p.Pro836Leu (NM_014749.5); short protein forms P836L, P965L, P912L, P868L, P772L, P827L, P897L.
Identifiers: ClinVar variation 475444 (VCV000475444.40), dbSNP rs139493302, ClinGen allele CA7205964.

ClinVar aggregate classification (germline): Benign/Likely benign. Review status: criteria provided, multiple submitters, no conflicts (2 of 4 stars). 6 submissions from 6 submitters: Benign (1); Likely benign (4). 1 of the submissions does not count toward it. Last evaluated 2026-08-01.

Conditions:
KIAA0586-related disorder. Also called: KIAA0586- Related disorders; KIAA0586-related condition.
Short-rib thoracic dysplasia 14 with polydactyly (SRTD14). Identifiers: Orphanet 397715, MedGen C4225286, MONDO:0014688, OMIM 616546.
Joubert syndrome 23 (JBTS23). Identifiers: Orphanet 475, MedGen C4084822, MONDO:0014664, OMIM 616490.

Allele frequency attached by ClinVar (database versions not stated): gnomAD 0.00029 and 0.00048; gnomAD exomes 0.00046 and 0.00101; TOPMed 0.00049; ExAC 0.00102; 1000 Genomes Project 30x 0.00265; 1000 Genomes Project 0.00300.
gnomAD v4.1: 794 of 1,613,282 alleles (0.049%); highest among the groups gnomAD compares: East Asian, 1.1%; 4 homozygotes.

Submissions (6):

CeGaT Center for Human Genetics Tuebingen
Classification: Likely benign. Last evaluated: 2026-08-01. Review status: criteria provided, single submitter. Criteria: CeGaT Center For Human Genetics Tuebingen Variant Classification Criteria Version 2. Collection method: clinical testing. Allele origin: germline. Affected: yes. Observed: 4 variant alleles.
Comment: KIAA0586: BP4

Labcorp Genetics (formerly Invitae), Labcorp
Classification: Benign for Joubert syndrome 23; Short-rib thoracic dysplasia 14 with polydactyly. Last evaluated: 2026-01-12. Review status: criteria provided, single submitter. Criteria: Invitae Variant Classification Sherloc (09022015). Collection method: clinical testing. Allele origin: germline.

Blueprint Genetics
Classification: Likely benign. Last evaluated: 2024-11-06. Review status: criteria provided, single submitter. Criteria: ACMG Guidelines, 2015. Collection method: clinical testing. Allele origin: germline.

GeneDx
Classification: Likely benign. Last evaluated: 2021-06-21. Review status: criteria provided, single submitter. Criteria: GeneDx Variant Classification Process June 2021. Collection method: clinical testing. Allele origin: germline. Affected: yes.
Comment: This variant is associated with the following publications: (PMID: 30993914)

Breakthrough Genomics
Classification: Likely benign. Review status: criteria provided, single submitter. Criteria: ACMG Guidelines, 2015. Collection method: not provided. Allele origin: germline. Inheritance: Autosomal recessive inheritance. Affected: yes.

PreventionGenetics, part of Exact Sciences
Classification: Benign for KIAA0586-related condition. Last evaluated: 2021-04-11. Review status: no assertion criteria provided. Collection method: clinical testing. Allele origin: germline. Not counted in ClinVar's aggregate classification.
Comment: This variant is classified as benign based on ACMG/AMP sequence variant interpretation guidelines (Richards et al. 2015 PMID: 25741868, with internal and published modifications).